The following is an entry in ClinVar:

NM_020751.3(COG6):c.298-8C>A

Gene: COG6 (component of oligomeric golgi complex 6; plus strand). Cytogenetic location: 13q14.11.
Variant type: single nucleotide variant.
Coding change: c.298-8C>A on transcript NM_020751.3 (MANE Select); 8 bases into the intron before coding-DNA position 298, C replaced by A.
Molecular consequence: intron variant.
Genome position (GRCh38, 1-based): chr13:39,660,802, C>A. VCF-style: chr13-39660802-C-A. GRCh37 (hg19) VCF-style: chr13-40234939-C-A.
Other names: c.298-8C>A (NM_001145079.2).
Identifiers: ClinVar variation 3031566 (VCV003031566.2), dbSNP rs905292489, ClinGen allele CA2622750761.

ClinVar aggregate classification (germline): Likely benign (0 of 4 stars; one submission).

Conditions:
COG6-related disorder.

Submission:

PreventionGenetics, part of Exact Sciences
Classification: Likely benign for COG6-related condition. Last evaluated: 2021-03-12. Review status: no assertion criteria provided. Collection method: clinical testing. Allele origin: germline.
Comment: This variant is classified as likely benign based on ACMG/AMP sequence variant interpretation guidelines (Richards et al. 2015 PMID: 25741868, with internal and published modifications).